The following is an entry in ClinVar:

ClinVar aggregate classification (germline): Conflicting classifications of pathogenicity. Review status: criteria provided, conflicting classifications (1 of 4 stars). 3 submissions from 3 submitters: Uncertain significance (1); Likely benign (2). Last evaluated 2026-01-03.

Conditions:
Inborn genetic diseases. Identifiers: MedGen C0950123, MeSH D030342.

Allele frequency attached by ClinVar (database versions not stated): TOPMed 0.00002; ExAC 0.00007; gnomAD 0.00016.
gnomAD v4.1: 76 of 1,614,098 alleles (0.0047%); highest among the groups gnomAD compares: Middle Eastern, 0.016%; no homozygotes.

Submissions (3):

Labcorp Genetics (formerly Invitae), Labcorp
Classification: Uncertain significance. Last evaluated: 2026-01-03. Review status: criteria provided, single submitter. Criteria: Invitae Variant Classification Sherloc (09022015). Collection method: clinical testing. Allele origin: germline.
Comment: This sequence change replaces proline, which is neutral and non-polar, with leucine, which is neutral and non-polar, at codon 1673 of the SRCAP protein (p.Pro1673Leu). This variant is present in population databases (rs779824702, gnomAD 0.02%). This variant has not been reported in the literature in individuals affected with SRCAP-related conditions. ClinVar contains an entry for this variant (Variation ID: 1961368). Invitae Evidence Modeling of protein sequence and biophysical properties (such as structural, functional, and spatial information, amino acid conservation, physicochemical variation, residue mobility, and thermodynamic stability) indicates that this missense variant is not expected to disrupt SRCAP protein function with a negative predictive value of 80%. In summary, the available evidence is currently insufficient to determine the role of this variant in disease. Therefore, it has been classified as a Variant of Uncertain Significance.

Laboratory of Genetics, Children's Clinical University Hospital Latvia
Classification: Likely benign. Last evaluated: 2025-02-16. Review status: criteria provided, single submitter. Criteria: ACMG Guidelines, 2015. Collection method: clinical testing. Allele origin: germline. Affected: yes.

Ambry Genetics
Classification: Likely benign for Inborn genetic diseases. Last evaluated: 2021-11-30. Review status: criteria provided, single submitter. Criteria: Ambry Variant Classification Scheme 2023. Collection method: clinical testing. Allele origin: germline.

NM_006662.3(SRCAP):c.5018C>T (p.Pro1673Leu)

Gene: SRCAP (Snf2 related CREBBP activator protein; plus strand). Cytogenetic location: 16p11.2.
Variant type: single nucleotide variant.
Coding change: c.5018C>T on transcript NM_006662.3 (MANE Select); coding-DNA position 5018, C replaced by T.
Protein change: p.Pro1673Leu; replaces proline 1673 with leucine.
Molecular consequence: missense variant.
Genome position (GRCh38, 1-based): chr16:30,724,442, C>T. VCF-style: chr16-30724442-C-T. GRCh37 (hg19) VCF-style: chr16-30735763-C-T.
Other names: short protein forms P1673L.
Identifiers: ClinVar variation 1961368 (VCV001961368.7), dbSNP rs779824702, ClinGen allele CA8011879.